The following is an entry in ClinVar:

ClinVar aggregate classification (germline): Likely benign. Review status: criteria provided, multiple submitters, no conflicts (2 of 4 stars). 6 submissions from 6 submitters: Likely benign (6). Last evaluated 2025-05-04.

Conditions:
Hypercholesterolemia, autosomal dominant, type B (FHCL2). Also called: Familial Hypercholesterolemia Type B; Hyperlipoproteinemia Type IIb; APOB-Related Familial Hypercholesterolemia, Autosomal Dominant; Familial hypercholesterolemia 2; HYPERCHOLESTEROLEMIA, FAMILIAL, DUE TO LIGAND-DEFECTIVE APOLIPOPROTEIN B; APOLIPOPROTEIN B-100, FAMILIAL DEFECTIVE. Identifiers: MedGen C1704417, MONDO:0007751, OMIM 144010.
Familial hypobetalipoproteinemia 1. Also called: Hypobetalipoproteinemia, normotriglyceridemic; Acanthocytosis with hypobetalipoproteinemia; APOB-Related Familial Hypobetalipoproteinemia. Identifiers: MedGen C4551990, MONDO:0014252, OMIM 615558.
Familial hypercholesterolemia. Also called: Familial hypercholesterolemias; Familial hypercholesterolaemia. Identifiers: MedGen C0020445, MONDO:0005439.
Cardiovascular phenotype. Identifiers: MedGen CN230736.

Allele frequency attached by ClinVar (database versions not stated): gnomAD exomes 0.00001.
gnomAD v4.1: 20 of 1,610,482 alleles (0.0012%); highest among the groups gnomAD compares: Middle Eastern, 0.017%; no homozygotes.

Submissions (6):

Labcorp Genetics (formerly Invitae), Labcorp
Classification: Likely benign for Familial hypobetalipoproteinemia 1; Hypercholesterolemia, autosomal dominant, type B. Last evaluated: 2025-05-04. Review status: criteria provided, single submitter. Criteria: Invitae Variant Classification Sherloc (09022015). Collection method: clinical testing. Allele origin: germline.

GENinCode PLC
Classification: Likely benign for Familial hypercholesterolemia. Last evaluated: 2024-06-03. Review status: criteria provided, single submitter. Criteria: ACMG Guidelines, 2015. Collection method: clinical testing. Allele origin: germline.
Comment: This is a synonymous (silent) variant that is not predicted by SpliceAI to impact splicing. In addition, it occurs at a nucleotide that is not conserved. Therefore this variant has been classified as Likely Benign (BP4, BP7).

Blueprint Genetics
Classification: Likely benign. Last evaluated: 2023-06-13. Review status: criteria provided, single submitter. Criteria: ACMG Guidelines, 2015. Collection method: clinical testing. Allele origin: germline.

Ambry Genetics
Classification: Likely benign for Cardiovascular phenotype. Last evaluated: 2023-05-01. Review status: criteria provided, single submitter. Criteria: Ambry Variant Classification Scheme 2023. Collection method: clinical testing. Allele origin: germline.

CeGaT Center for Human Genetics Tuebingen
Classification: Likely benign. Last evaluated: 2022-08-01. Review status: criteria provided, single submitter. Criteria: CeGaT Center For Human Genetics Tuebingen Variant Classification Criteria Version 2. Collection method: clinical testing. Allele origin: germline. Affected: yes. Observed: 1 variant allele.
Comment: APOB: BP4, BP7

Breakthrough Genomics
Classification: Likely benign. Review status: criteria provided, single submitter. Criteria: ACMG Guidelines, 2015. Collection method: not provided. Allele origin: germline. Inheritance: Autosomal recessive inheritance. Affected: yes.

NM_000384.3(APOB):c.4258C>T (p.Leu1420=)

Gene: APOB (apolipoprotein B; minus strand). Cytogenetic location: 2p24.1.
Variant type: single nucleotide variant.
Coding change: c.4258C>T on transcript NM_000384.3 (MANE Select); coding-DNA position 4258, C replaced by T.
Protein change: p.Leu1420=; no amino-acid change (leucine 1420 retained).
Molecular consequence: synonymous variant.
Genome position (GRCh38, 1-based): chr2:21,012,610, G>A on the plus strand (C>T on the coding strand, the complement: APOB is on the minus strand). VCF-style: chr2-21012610-G-A. GRCh37 (hg19) VCF-style: chr2-21235482-G-A.
Identifiers: ClinVar variation 925365 (VCV000925365.43), dbSNP rs1483573722, ClinGen allele CA425347200.